The following is an entry in ClinVar:

ClinVar aggregate classification (germline): Pathogenic (1 of 4 stars; one submission).

Conditions:
Cohen syndrome (COH1). Also called: PEPPER SYNDROME; Cutis verticis gyrata, retinitis pigmentosa, and sensorineural deafness. Identifiers: Orphanet 193, MedGen C0265223, MONDO:0008999, OMIM 216550.

Submission:

Myriad Genetics, Inc.
Classification: Pathogenic for Cohen syndrome. Last evaluated: 2025-05-20. Review status: criteria provided, single submitter. Criteria: Myriad Autosomal Dominant, Autosomal Recessive and X-Linked Classification Criteria (2023). Collection method: clinical testing. Allele origin: unknown.
Comment: NM_017890.4(VPS13B):c.9779_9780dupGA(C3261Dfs*4) is a frameshift variant classified as pathogenic in the context of Cohen syndrome. C3261Dfs*4 has not been observed in cases with relevant disease. Relevant functional assessments of this variant are not available in the literature. C3261Dfs*4 has been observed in referenced population frequency databases. In summary, NM_017890.4(VPS13B):c.9779_9780dupGA(C3261Dfs*4) is a frameshift variant in a gene where loss of function is a known mechanism of disease and is predicted to disrupt protein function. Please note: this variant was assessed in the context of healthy population screening.

NM_152564.5(VPS13B):c.9704_9705dup (p.Cys3236fs)

Gene: VPS13B (vacuolar protein sorting 13 homolog B; plus strand). Cytogenetic location: 8q22.2.
Variant type: Duplication.
Coding change: c.9704_9705dup on transcript NM_152564.5 (MANE Select); coding-DNA positions 9704 to 9705, 2 bases duplicated (GA; older notation c.9704_9705dupGA).
Protein change: p.Cys3236fs; shifts the reading frame from cysteine 3236.
Molecular consequence: frameshift variant.
Genome position (GRCh38, 1-based): chr8:99,835,286-99,835,287, GA duplicated; duplicating any 2 consecutive bases within chr8:99,835,285-99,835,287 gives the same sequence; the c. name uses the placement nearest the transcript's 3' end. VCF-style (leftmost placement, unchanged base first): chr8-99835284-T-TAG. GRCh37 (hg19) VCF-style: chr8-100847512-T-TAG.
Other names: c.9779_9780dup, p.Cys3261fs (NM_017890.5); short protein forms C3236fs, C3261fs.
Identifiers: ClinVar variation 4081826 (VCV004081826.1).